The following is an entry in ClinVar:

ClinVar aggregate classification (germline): Uncertain significance (1 of 4 stars; one submission).

Conditions:
Hereditary cancer-predisposing syndrome. Also called: Hereditary neoplastic syndrome; Neoplastic Syndromes, Hereditary; Tumor predisposition; Hereditary Cancer Syndrome. Identifiers: Orphanet 140162, MedGen C0027672, MeSH D009386, MONDO:0015356.

Submission:

Ambry Genetics
Classification: Uncertain significance for Hereditary cancer-predisposing syndrome. Last evaluated: 2025-03-07. Review status: criteria provided, single submitter. Criteria: Ambry Variant Classification Scheme 2023. Collection method: clinical testing. Allele origin: germline.
Comment: The c.1362-8_1362-4dupTCCCG intronic variant, results from a duplication of 5 nucleotides at nucleotide position 1362-8 to 1362-4 before intron 12 of the TSC2 gene. These nucleotide positions are not well conserved in available vertebrate species. In silico splice site analysis predicts that this alteration may weaken the native splice acceptor site; however, direct evidence is insufficient at this time (Ambry internal data). Based on the available evidence, the clinical significance of this variant remains unclear.

NM_000548.5(TSC2):c.1362-8_1362-4dup

Gene: TSC2 (TSC complex subunit 2; plus strand). Cytogenetic location: 16p13.3.
Variant type: Duplication.
Coding change: c.1362-8_1362-4dup on transcript NM_000548.5 (MANE Select); 8 bases into the intron before coding-DNA position 1362 through 4 bases into the intron before coding-DNA position 1362, 5 bases duplicated (TCCCG; older notation c.1362-8_1362-4dupTCCCG).
Molecular consequence: intron variant.
Genome position (GRCh38, 1-based): chr16:2,062,964-2,062,968, TCCCG duplicated; duplicating any 5 consecutive bases within chr16:2,062,961-2,062,968 gives the same sequence; the c. name uses the placement nearest the transcript's 3' end. VCF-style (leftmost placement, unchanged base first): chr16-2062960-G-GCCGTC. GRCh37 (hg19) VCF-style: chr16-2112961-G-GCCGTC.
Other names: c.18-8_18-4dup (NM_001406693.1, NM_001406689.1, NM_001406690.1 and 6 more transcripts); c.1452-8_1452-4dup (NM_001406667.1, NM_001406668.1); c.762-8_762-4dup (NM_001406680.1, NM_001406683.1, NM_001406687.1 and 6 more transcripts); c.-160+364_-160+368dup (NM_001406698.1); c.1362-8_1362-4dup (NM_001114382.3, NM_001406663.1, NM_001406664.1 and 6 more transcripts); c.1350-8_1350-4dup (NM_001406671.1, NM_001406673.1); c.900-8_900-4dup (NM_001406681.1); c.1251-8_1251-4dup (NM_001406670.1, NM_001318827.2, NM_001406678.1); and 3 more.
Identifiers: ClinVar variation 3811361 (VCV003811361.1).